The following is an entry in ClinVar:

NC_000012.11:g.(?_32993942)_(33003927_?)del

Gene: PKP2 (plakophilin 2; minus strand). Cytogenetic location: 12p11.21.
Variant type: Deletion.
Identifiers: ClinVar variation 3244294 (VCV003244294.1).

ClinVar aggregate classification (germline): Pathogenic (1 of 4 stars; one submission).

Conditions:
Arrhythmogenic right ventricular dysplasia 9 (ARVD9). Also called: Arrhythmogenic Right Ventricular Dysplasia/Cardiomyopathy 9; ARRHYTHMOGENIC RIGHT VENTRICULAR DYSPLASIA, FAMILIAL, 9. Identifiers: MedGen C1836906, MONDO:0012180, OMIM 609040.

Submission:

Labcorp Genetics (formerly Invitae), Labcorp
Classification: Pathogenic for Arrhythmogenic right ventricular dysplasia 9. Last evaluated: 2024-01-25. Review status: criteria provided, single submitter. Criteria: Invitae Variant Classification Sherloc (09022015). Collection method: clinical testing. Allele origin: unknown.
Comment: This variant is a gross deletion of the genomic region encompassing exon(s) 5-7 of the PKP2 gene. This deletion is out-of-frame, and is expected to create a premature termination codon and result in an absent or disrupted protein product. Loss-of-function variants in PKP2 are known to be pathogenic (PMID: 15489853, 17041889, 23911551). This variant has not been reported in the literature in individuals affected with PKP2-related conditions. For these reasons, this variant has been classified as Pathogenic.

Literature cited by the submitters: PubMed 15489853; PubMed 17041889; PubMed 23911551.